The following is an entry in ClinVar:

NM_000038.6(APC):c.6855T>G (p.Val2285=)

Gene: APC (APC regulator of Wnt signaling pathway; plus strand). Cytogenetic location: 5q22.2.
Variant type: single nucleotide variant.
Coding change: c.6855T>G on transcript NM_000038.6 (MANE Select); coding-DNA position 6855, T replaced by G.
Protein change: p.Val2285=; no amino-acid change (valine 2285 retained).
Molecular consequence: synonymous variant.
Genome position (GRCh38, 1-based): chr5:112,842,449, T>G. VCF-style: chr5-112842449-T-G. GRCh37 (hg19) VCF-style: chr5-112178146-T-G.
Other names: c.6855T>G, p.Val2285= (NM_001127510.3, NM_001354895.2); c.6801T>G, p.Val2267= (NM_001127511.3); c.6909T>G, p.Val2303= (NM_001354896.2); c.6885T>G, p.Val2295= (NM_001354897.2); c.6780T>G, p.Val2260= (NM_001354898.2); c.6771T>G, p.Val2257= (NM_001354899.2); c.6732T>G, p.Val2244= (NM_001354900.2); c.6678T>G, p.Val2226= (NM_001354901.2); and 5 more.
Identifiers: ClinVar variation 628726 (VCV000628726.13), dbSNP rs1057524550, ClinGen allele CA446210378.

ClinVar aggregate classification (germline): Benign/Likely benign. Review status: criteria provided, multiple submitters, no conflicts (2 of 4 stars). 6 submissions from 6 submitters: Benign (1); Likely benign (5). Last evaluated 2025-03-04.

Conditions:
Hereditary cancer-predisposing syndrome. Also called: Neoplastic Syndromes, Hereditary; Tumor predisposition; Hereditary neoplastic syndrome; Hereditary Cancer Syndrome. Identifiers: Orphanet 140162, MedGen C0027672, MeSH D009386, MONDO:0015356.
Classic or attenuated familial adenomatous polyposis. Identifiers: MedGen CN372698, MONDO:0021057.
Familial adenomatous polyposis 1 (FAP1). Also called: POLYPOSIS, ADENOMATOUS INTESTINAL; FAMILIAL ADENOMATOUS POLYPOSIS 1, ATTENUATED. Identifiers: MedGen C2713442, MONDO:0021056, OMIM 175100. Disease mechanism: loss of function.

gnomAD v4.1: 3 of 1,614,070 alleles (0.00019%); highest among the groups gnomAD compares: Non-Finnish European, 0.00025%; no homozygotes.

Submissions (6):

Center for Genomic Medicine, Rigshospitalet, Copenhagen University Hospital
Classification: Likely benign. Last evaluated: 2025-03-04. Review status: criteria provided, single submitter. Criteria: ACMG Guidelines, 2015. Collection method: clinical testing. Allele origin: germline.

Labcorp Genetics (formerly Invitae), Labcorp
Classification: Likely benign for Familial adenomatous polyposis 1. Last evaluated: 2024-10-28. Review status: criteria provided, single submitter. Criteria: Invitae Variant Classification Sherloc (09022015). Collection method: clinical testing. Allele origin: germline.

Ambry Genetics
Classification: Likely benign for Hereditary cancer-predisposing syndrome. Last evaluated: 2024-05-28. Review status: criteria provided, single submitter. Criteria: Ambry Variant Classification Scheme 2023. Collection method: clinical testing. Allele origin: germline.

Myriad Genetics, Inc.
Classification: Benign for Familial adenomatous polyposis 1. Last evaluated: 2024-04-05. Review status: criteria provided, single submitter. Criteria: Myriad Autosomal Dominant, Autosomal Recessive and X-Linked Classification Criteria (2023). Collection method: clinical testing. Allele origin: unknown.
Comment: This variant is considered benign. This variant is a silent/synonymous amino acid change and it is not expected to impact splicing.

All of Us Research Program, National Institutes of Health
Classification: Likely benign for Classic or attenuated familial adenomatous polyposis. Last evaluated: 2023-11-20. Review status: criteria provided, single submitter. Criteria: ACMG Guidelines, 2015. Collection method: clinical testing. Allele origin: germline. Inheritance: Autosomal dominant inheritance. Observed: 1 variant allele, 1 heterozygote.
Comment: This study involves interpretation of variants in research participants for the purpose of population health screening. Participant phenotype was not available at the time of variant classification. Additional details can be found in publication PMID: 35346344, PMCID: PMC8962531

Color Diagnostics, LLC DBA Color Health
Classification: Likely benign for Hereditary cancer-predisposing syndrome. Last evaluated: 2018-06-18. Review status: criteria provided, single submitter. Criteria: ACMG Guidelines, 2015. Collection method: clinical testing. Allele origin: germline.